The following is an entry in ClinVar:

NM_001639.4(APCS):c.291C>T (p.His97=)

Gene: APCS (amyloid P component, serum; plus strand). Cytogenetic location: 1q23.2.
Variant type: single nucleotide variant.
Coding change: c.291C>T on transcript NM_001639.4 (MANE Select); coding-DNA position 291, C replaced by T.
Protein change: p.His97=; no amino-acid change (histidine 97 retained).
Molecular consequence: synonymous variant.
Genome position (GRCh38, 1-based): chr1:159,588,327, C>T. VCF-style: chr1-159588327-C-T. GRCh37 (hg19) VCF-style: chr1-159558117-C-T.
Identifiers: ClinVar variation 3390076 (VCV003390076.14).

ClinVar aggregate classification (germline): Likely benign (1 of 4 stars; one submission).

Submission:

CeGaT Center for Human Genetics Tuebingen
Classification: Likely benign. Last evaluated: 2024-11-01. Review status: criteria provided, single submitter. Criteria: CeGaT Center For Human Genetics Tuebingen Variant Classification Criteria Version 2. Collection method: clinical testing. Allele origin: germline. Affected: yes. Observed: 1 variant allele.
Comment: APCS: PM2:Supporting, BP4, BP7